The following is an entry in ClinVar:

NM_001165963.4(SCN1A):c.2372C>A (p.Pro791Gln)

Gene: SCN1A (sodium voltage-gated channel alpha subunit 1; minus strand). Cytogenetic location: 2q24.3.
Variant type: single nucleotide variant.
Coding change: c.2372C>A on transcript NM_001165963.4 (MANE Select); coding-DNA position 2372, C replaced by A.
Protein change: p.Pro791Gln; replaces proline 791 with glutamine.
Molecular consequence: missense variant. On other transcripts: 5 prime UTR variant (1), non-coding transcript variant (1).
Genome position (GRCh38, 1-based): chr2:166,041,274, G>T on the plus strand (C>A on the coding strand, the complement: SCN1A is on the minus strand). VCF-style: chr2-166041274-G-T. GRCh37 (hg19) VCF-style: chr2-166897784-G-T.
Other names: c.2288C>A, p.Pro763Gln (NM_001165964.3, NM_001353957.2, NM_001353958.2); c.2372C>A, p.Pro791Gln (NM_001202435.3, NM_001353948.2); c.2339C>A, p.Pro780Gln (NM_001353949.2, NM_001353950.2, NM_001353951.2 and 2 more transcripts); c.2336C>A, p.Pro779Gln (NM_001353954.2, NM_001353955.2); c.2285C>A, p.Pro762Gln (NM_001353960.2); c.-87C>A (NM_001353961.2); short protein forms P780Q, P791Q, P763Q, P779Q, P762Q.
Identifiers: ClinVar variation 1925935 (VCV001925935.6), dbSNP rs1697132063, ClinGen allele CA349063913.

ClinVar aggregate classification (germline): Uncertain significance. Review status: criteria provided, multiple submitters, no conflicts (2 of 4 stars). 2 submissions from 2 submitters: Uncertain significance (2). Last evaluated 2025-09-05.

Conditions:
Early-infantile DEE. Also called: Early infantile epileptic encephalopathy with suppression bursts; Early infantile epileptic encephalopathy; Ohtahara syndrome. Identifiers: Orphanet 1934, MedGen C0393706, MONDO:0800491.
SCN1A-related disorder. Also called: SCN1A-related conditions; SCN1A-related condition; SCN1A-related disorders.

Submissions (2):

3billion
Classification: Uncertain significance for SCN1A-related disorder. Last evaluated: 2025-09-05. Review status: criteria provided, single submitter. Criteria: ACMG Guidelines, 2015. Collection method: clinical testing. Allele origin: germline. Affected: yes.
Comment: The variant is not observed in the gnomAD v4.1.0 dataset. Predicted Consequence/Location: Missense variant In silico tool predictions suggest damaging effect of the variant on gene or gene product [REVEL: 0.82 (>=0.6, sensitivity 0.68 and specificity 0.92); 3Cnet: 0.97 (> 0.75, sensitivity 0.96 and precision 0.92)]. The variant has been reported as of uncertain significance (ClinVar ID: VCV001925935). Different missense changes at the same codon have been reported as of uncertain significance (ClinVar ID: VCV000844058, VCV001005315, VCV003634048). Therefore, this variant is classified as VUS according to the recommendation of ACMG/AMP guideline.

Labcorp Genetics (formerly Invitae), Labcorp
Classification: Uncertain significance for Early-infantile DEE. Last evaluated: 2023-11-24. Review status: criteria provided, single submitter. Criteria: Invitae Variant Classification Sherloc (09022015). Collection method: clinical testing. Allele origin: germline.
Comment: This sequence change replaces proline, which is neutral and non-polar, with glutamine, which is neutral and polar, at codon 791 of the SCN1A protein (p.Pro791Gln). This variant is not present in population databases (gnomAD no frequency). This variant has not been reported in the literature in individuals affected with SCN1A-related conditions. ClinVar contains an entry for this variant (Variation ID: 1925935). Advanced modeling of protein sequence and biophysical properties (such as structural, functional, and spatial information, amino acid conservation, physicochemical variation, residue mobility, and thermodynamic stability) performed at Invitae indicates that this missense variant is expected to disrupt SCN1A protein function with a positive predictive value of 95%. In summary, the available evidence is currently insufficient to determine the role of this variant in disease. Therefore, it has been classified as a Variant of Uncertain Significance.